The following is an entry in ClinVar:

NM_052947.4(ALPK2):c.247G>T (p.Ala83Ser)

Gene: ALPK2 (alpha kinase 2; minus strand). Cytogenetic location: 18q21.31.
Variant type: single nucleotide variant.
Coding change: c.247G>T on transcript NM_052947.4 (MANE Select); coding-DNA position 247, G replaced by T.
Protein change: p.Ala83Ser; replaces alanine 83 with serine.
Molecular consequence: missense variant.
Genome position (GRCh38, 1-based): chr18:58,580,529, C>A on the plus strand (G>T on the coding strand, the complement: ALPK2 is on the minus strand). VCF-style: chr18-58580529-C-A. GRCh37 (hg19) VCF-style: chr18-56247761-C-A.
Other names: short protein forms A83S.
Identifiers: ClinVar variation 1791902 (VCV001791902.2), dbSNP rs2518900503, ClinGen allele CA402568400.

ClinVar aggregate classification (germline): Uncertain significance (1 of 4 stars; one submission).

gnomAD v4.1: 1 of 1,613,486 alleles (0.000062%); no homozygotes.

Submission:

Ambry Genetics
Classification: Uncertain significance. Last evaluated: 2022-06-28. Review status: criteria provided, single submitter. Criteria: Ambry Variant Classification Scheme 2023. Collection method: clinical testing. Allele origin: germline.
Comment: The p.A83S variant (also known as c.247G>T), located in coding exon 3 of the ALPK2 gene, results from a G to T substitution at nucleotide position 247. The alanine at codon 83 is replaced by serine, an amino acid with similar properties. This amino acid position is conserved. In addition, this alteration is predicted to be tolerated by in silico analysis. Since supporting evidence is limited at this time, the clinical significance of this alteration remains unclear.